The following is an entry in ClinVar:

NM_014915.3(ANKRD26):c.739A>C (p.Arg247=)

Gene: ANKRD26 (ankyrin repeat domain 26; minus strand). Cytogenetic location: 10p12.1.
Variant type: single nucleotide variant.
Coding change: c.739A>C on transcript NM_014915.3 (MANE Select); coding-DNA position 739, A replaced by C.
Protein change: p.Arg247=; no amino-acid change (arginine 247 retained).
Molecular consequence: synonymous variant.
Genome position (GRCh38, 1-based): chr10:27,082,804, T>G on the plus strand (A>C on the coding strand, the complement: ANKRD26 is on the minus strand). VCF-style: chr10-27082804-T-G. GRCh37 (hg19) VCF-style: chr10-27371733-T-G.
Other names: c.739A>C, p.Arg247= (NM_001256053.2).
Identifiers: ClinVar variation 2171024 (VCV002171024.5), dbSNP rs765170468, ClinGen allele CA376365233.
Genomic context (GRCh38, chr10:27,082,804, plus strand): 5'-AACAGTTTCTTTTCTCTGTATTCCTTTAAATATATTTTTAAAAATCTGTAAAATACTACC[T>G]GCTTAAGGAGTCTTCAGAGCTTTCATCCACTATTAAAGAGAAAAGTAAAACACACTTTAA-3'
Protein context (NP_055730.2, residues 237-257): VDESSEDSLS[Arg247=]LSGKPGVDDS

ClinVar aggregate classification (germline): Uncertain significance. Review status: criteria provided, multiple submitters, no conflicts (2 of 4 stars). 2 submissions from 2 submitters: Uncertain significance (2). Last evaluated 2022-08-30.

gnomAD v4.1: 18 of 1,586,388 alleles (0.0011%); highest among the groups gnomAD compares: Non-Finnish European, 0.0014%; no homozygotes.

Submissions (2):

GeneDx
Classification: Uncertain significance. Last evaluated: 2022-08-30. Review status: criteria provided, single submitter. Criteria: GeneDx Variant Classification Process June 2021. Collection method: clinical testing. Allele origin: germline. Affected: yes.
Comment: Not observed at significant frequency in large population cohorts (gnomAD); In silico analysis supports a deleterious effect on splicing; Has not been previously published as pathogenic or benign to our knowledge

Labcorp Genetics (formerly Invitae), Labcorp
Classification: Uncertain significance. Last evaluated: 2022-06-12. Review status: criteria provided, single submitter. Criteria: Invitae Variant Classification Sherloc (09022015). Collection method: clinical testing. Allele origin: germline.
Comment: The frequency data for this variant in the population databases is considered unreliable, as metrics indicate poor data quality at this position in the gnomAD database. This sequence change affects codon 247 of the ANKRD26 mRNA. It is a 'silent' change, meaning that it does not change the encoded amino acid sequence of the ANKRD26 protein. It affects a nucleotide within the consensus splice site. This variant has not been reported in the literature in individuals affected with ANKRD26-related conditions. In summary, the available evidence is currently insufficient to determine the role of this variant in disease. Therefore, it has been classified as a Variant of Uncertain Significance. Algorithms developed to predict the effect of sequence changes on RNA splicing suggest that this variant may disrupt the consensus splice site.